The following is an entry in ClinVar:

NM_001042681.2(RERE):c.1828G>T (p.Gly610Cys)

Gene: RERE (arginine-glutamic acid dipeptide repeats; minus strand). Cytogenetic location: 1p36.23.
Variant type: single nucleotide variant.
Coding change: c.1828G>T on transcript NM_001042681.2 (MANE Select); coding-DNA position 1828, G replaced by T.
Protein change: p.Gly610Cys; replaces glycine 610 with cysteine.
Molecular consequence: missense variant.
Genome position (GRCh38, 1-based): chr1:8,362,757, C>A on the plus strand (G>T on the coding strand, the complement: RERE is on the minus strand). VCF-style: chr1-8362757-C-A. GRCh37 (hg19) VCF-style: chr1-8422817-C-A.
Other names: c.166G>T, p.Gly56Cys (NM_001042682.2); c.1828G>T, p.Gly610Cys (NM_012102.4); short protein forms G56C, G610C.
Identifiers: ClinVar variation 3377950 (VCV003377950.1).

ClinVar aggregate classification (germline): Uncertain significance (1 of 4 stars; one submission).

Submission:

GeneDx
Classification: Uncertain significance. Last evaluated: 2024-05-16. Review status: criteria provided, single submitter. Criteria: GeneDx Variant Classification Process June 2021. Collection method: clinical testing. Allele origin: germline. Affected: yes.
Comment: Not observed at significant frequency in large population cohorts (gnomAD); In silico analysis supports that this missense variant has a deleterious effect on protein structure/function; Has not been previously published as pathogenic or benign to our knowledge